The following is an entry in ClinVar:

ClinVar aggregate classification (germline): Uncertain significance (1 of 4 stars; one submission).

Conditions:
Inborn genetic diseases. Identifiers: MedGen C0950123, MeSH D030342.

Allele frequency attached by ClinVar (database versions not stated): gnomAD exomes below 0.00001.
gnomAD v4.1: 1 of 1,613,990 alleles (0.000062%); highest among the groups gnomAD compares: Non-Finnish European, 0.000085%; no homozygotes.

Submission:

Ambry Genetics
Classification: Uncertain significance for Inborn genetic diseases. Last evaluated: 2024-03-09. Review status: criteria provided, single submitter. Criteria: Ambry Variant Classification Scheme 2023. Collection method: clinical testing. Allele origin: germline.
Comment: The p.G408A variant (also known as c.1223G>C), located in coding exon 9 of the BUB1B gene, results from a G to C substitution at nucleotide position 1223. The glycine at codon 408 is replaced by alanine, an amino acid with similar properties. This amino acid position is conserved. In addition, this alteration is predicted to be tolerated by in silico analysis. Based on the available evidence, the clinical significance of this alteration remains unclear.

NM_001211.6(BUB1B):c.1223G>C (p.Gly408Ala)

Gene: BUB1B (BUB1 mitotic checkpoint serine/threonine kinase B; plus strand). Cytogenetic location: 15q15.1.
Variant type: single nucleotide variant.
Coding change: c.1223G>C on transcript NM_001211.6 (MANE Select); coding-DNA position 1223, G replaced by C.
Protein change: p.Gly408Ala; replaces glycine 408 with alanine.
Molecular consequence: missense variant.
Genome position (GRCh38, 1-based): chr15:40,196,709, G>C. VCF-style: chr15-40196709-G-C. GRCh37 (hg19) VCF-style: chr15-40488910-G-C.
Other names: short protein forms G408A.
Identifiers: ClinVar variation 3221337 (VCV003221337.1), dbSNP rs2140898493, ClinGen allele CA391687488.